The following is an entry in ClinVar:

NM_003072.5(SMARCA4):c.58C>T (p.Pro20Ser)

Gene: SMARCA4 (SWI/SNF related BAF chromatin remodeling complex subunit ATPase 4; plus strand). Cytogenetic location: 19p13.2.
Variant type: single nucleotide variant.
Coding change: c.58C>T on transcript NM_003072.5 (MANE Select); coding-DNA position 58, C replaced by T.
Protein change: p.Pro20Ser; replaces proline 20 with serine.
Molecular consequence: missense variant. On other transcripts: non-coding transcript variant (1).
Genome position (GRCh38, 1-based): chr19:10,984,209, C>T. VCF-style: chr19-10984209-C-T. GRCh37 (hg19) VCF-style: chr19-11094885-C-T.
Other names: c.58C>T, p.Pro20Ser (NM_001128844.3, NM_001128845.2, NM_001128846.2 and 6 more transcripts); short protein forms P20S.
Identifiers: ClinVar variation 3798894 (VCV003798894.1).

ClinVar aggregate classification (germline): Uncertain significance (1 of 4 stars; one submission).

Conditions:
Hereditary cancer-predisposing syndrome. Also called: Neoplastic Syndromes, Hereditary; Hereditary Cancer Syndrome; Tumor predisposition; Hereditary neoplastic syndrome. Identifiers: Orphanet 140162, MedGen C0027672, MeSH D009386, MONDO:0015356.

Submission:

Ambry Genetics
Classification: Uncertain significance for Hereditary cancer-predisposing syndrome. Last evaluated: 2025-01-16. Review status: criteria provided, single submitter. Criteria: Ambry Variant Classification Scheme 2023. Collection method: clinical testing. Allele origin: germline.
Comment: The p.P20S variant (also known as c.58C>T), located in coding exon 1 of the SMARCA4 gene, results from a C to T substitution at nucleotide position 58. The proline at codon 20 is replaced by serine, an amino acid with similar properties. This amino acid position is highly conserved in available vertebrate species. In addition, the in silico prediction for this alteration is inconclusive. Based on the available evidence, the clinical significance of this variant remains unclear.